The following is an entry in ClinVar:

ClinVar aggregate classification (germline): Likely pathogenic (1 of 4 stars; one submission).

Conditions:
Developmental and epileptic encephalopathy, 65. Also called: EPILEPTIC ENCEPHALOPATHY, EARLY INFANTILE, 65. Identifiers: MedGen C4693925, MONDO:0033374, OMIM 618008.

Submission:

Solve-RD Consortium
Classification: Likely pathogenic for Developmental and epileptic encephalopathy, 65. Review status: criteria provided, single submitter. Criteria: ACMG Guidelines, 2015. Collection method: provider interpretation. Allele origin: germline. Inheritance: Autosomal dominant inheritance. Affected: yes. Study: Solve-RD DIFT-EpiCARE reanalysis.
Comment: PVS1, PM2, PS2

Variant identified during reanalysis of unsolved cases by the Solve-RD project. The Solve-RD project has received funding from the European Union’s Horizon 2020 research and innovation programme under grant agreement No 779257.

NM_001037333.3(CYFIP2):c.2631del (p.Asp877fs)

Gene: CYFIP2 (cytoplasmic FMR1 interacting protein 2; plus strand). Cytogenetic location: 5q33.3.
Variant type: Deletion.
Coding change: c.2631del on transcript NM_001037333.3 (MANE Select); coding-DNA position 2631, one base deleted (C; older notation c.2631delC).
Protein change: p.Asp877fs; shifts the reading frame from aspartic acid 877.
Molecular consequence: frameshift variant.
Genome position (GRCh38, 1-based): chr5:157,341,115, C deleted. VCF-style (leftmost placement, unchanged base first): chr5-157341114-AC-A. GRCh37 (hg19) VCF-style: chr5-156768122-AC-A.
Other names: c.2553del, p.Asp851fs (NM_001291721.2); c.2706del, p.Asp902fs (NM_001291722.2); c.2631del, p.Asp877fs (NM_014376.4); short protein forms D851fs, D877fs, D902fs.
Identifiers: ClinVar variation 4890767 (VCV004890767.1).